The following is an entry in ClinVar:

NM_000038.6(APC):c.1192_1193del (p.Lys398fs)

Gene: APC (APC regulator of Wnt signaling pathway; plus strand). Cytogenetic location: 5q22.2.
Variant type: Deletion.
Coding change: c.1192_1193del on transcript NM_000038.6 (MANE Select); coding-DNA positions 1192 to 1193, 2 bases deleted (AA; older notation c.1192_1193delAA).
Protein change: p.Lys398fs; shifts the reading frame from lysine 398.
Molecular consequence: frameshift variant. On other transcripts: intron variant (4).
Genome position (GRCh38, 1-based): chr5:112,819,224-112,819,225, AA deleted. VCF-style (leftmost placement, unchanged base first): chr5-112819223-CAA-C. GRCh37 (hg19) VCF-style: chr5-112154920-CAA-C.
Other names: c.1192_1193del, p.Lys398fs (NM_001127510.3, NM_001354895.2, NM_001354896.2); c.1138_1139del, p.Lys380fs (NM_001127511.3); c.1222_1223del, p.Lys408fs (NM_001354897.2); c.1117_1118del, p.Lys373fs (NM_001354898.2); c.1108_1109del, p.Lys370fs (NM_001354899.2); c.1015_1016del, p.Lys339fs (NM_001354900.2, NM_001354901.2); c.343_344del, p.Lys115fs (NM_001354906.2); c.964-45_964-44del (NM_001354902.2); and 4 more; short protein forms K339fs, K380fs, K408fs, K115fs, K370fs, K398fs, K373fs.
Identifiers: ClinVar variation 828 (VCV000000828.23), dbSNP rs387906238, ClinGen allele CA004076.

ClinVar aggregate classification (germline): Pathogenic. Review status: criteria provided, multiple submitters, no conflicts (2 of 4 stars). 10 submissions from 10 submitters: Pathogenic (9). 1 of the submissions does not count toward it. Last evaluated 2025-09-28.

Conditions:
Familial adenomatous polyposis 1 (FAP1). Also called: FAMILIAL ADENOMATOUS POLYPOSIS 1, ATTENUATED; POLYPOSIS, ADENOMATOUS INTESTINAL. Identifiers: MedGen C2713442, MONDO:0021056, OMIM 175100. Disease mechanism: loss of function.
Hereditary cancer-predisposing syndrome. Also called: Hereditary Cancer Syndrome; Tumor predisposition; Hereditary neoplastic syndrome; Neoplastic Syndromes, Hereditary. Identifiers: Orphanet 140162, MedGen C0027672, MeSH D009386, MONDO:0015356.

Submissions (10):

GeneDx
Classification: Pathogenic. Last evaluated: 2025-09-28. Review status: criteria provided, single submitter. Criteria: GeneDx Variant Classification Process June 2021. Collection method: clinical testing. Allele origin: germline. Affected: yes.
Comment: Identified in patients with features of APC-related familial adenomatous polyposis in published literature with most cases specifying an attenuated presentation when clinical information was available (PMID: 20223039, 20222047, 22941256, 26681312, 29954149, 9603437); Frameshift variant predicted to result in protein truncation or nonsense mediated decay in a gene for which loss of function is a known mechanism of disease; Not observed at significant frequency in large population cohorts (gnomAD); This variant is associated with the following publications: (PMID: 20223039, 20222047, 22941256, 26681312, 9603437, 33309985, 29954149)

GeneKor MSA
Classification: Pathogenic for Hereditary cancer-predisposing syndrome. Last evaluated: 2025-06-25. Review status: criteria provided, single submitter. Criteria: ACMG Guidelines, 2015. Collection method: clinical testing. Allele origin: germline.
Comment: This sequence change deletes 2 bases in exon 10 of the APC mRNA c.(1192_1193del), creating a premature translational stop signal 5 aminoacid recidues later- p.(Lys398Glufs*5). This is expected to result in an absent or disrupted protein product, while truncating variants in APC are known to be pathogenic (PMID:17963004, 20685668). This variant is present in population databases (rs387906238) and it has been observed in individuals with Familial Adenomatous Polyposis (FAP, PMID:20223039, 20222047, 22941256, 26681312, 29954149, 9603437). The mutation database ClinVar contains entries for this variant where is listed as pathogenic (VCV000000828.20). Based on the classification criteria set by the ACMG and AMP (PMID:25741868) this variant has been classified as pathogenic.

Labcorp Genetics (formerly Invitae), Labcorp
Classification: Pathogenic for Familial adenomatous polyposis 1. Last evaluated: 2025-06-02. Review status: criteria provided, single submitter. Criteria: Invitae Variant Classification Sherloc (09022015). Collection method: clinical testing. Allele origin: germline.
Comment: This sequence change creates a premature translational stop signal (p.Lys398Glufs*5) in the APC gene. It is expected to result in an absent or disrupted protein product. Loss-of-function variants in APC are known to be pathogenic (PMID: 17963004, 20685668). This variant is not present in population databases (gnomAD no frequency). This premature translational stop signal has been observed in individual(s) with familial adenomatouspolyposis (PMID: 9603437). It has also been observed to segregate with disease in related individuals. ClinVar contains an entry for this variant (Variation ID: 828). For these reasons, this variant has been classified as Pathogenic.

Quest Diagnostics Nichols Institute San Juan Capistrano
Classification: Pathogenic. Last evaluated: 2024-11-20. Review status: criteria provided, single submitter. Criteria: Quest Diagnostics criteria. Collection method: clinical testing. Allele origin: unknown.
Comment: The APC c.1192_1193del (p.Lys398Glufs*5) variant alters the translational reading frame of the APC mRNA and causes the premature termination of APC protein synthesis. This variant has been reported in the published literature in individuals with familial adenomatous polyposis (PMID: 29954149 (2018), 22941256 (2012), 20223039 (2005), 9603437 (1998)). This variant has not been reported in large, multi-ethnic general populations (Genome Aggregation Database). Based on the available information, this variant is classified as pathogenic.

Ambry Genetics
Classification: Pathogenic for Hereditary cancer-predisposing syndrome. Last evaluated: 2024-09-23. Review status: criteria provided, single submitter. Criteria: Ambry Variant Classification Scheme 2023. Collection method: clinical testing. Allele origin: germline.
Comment: The c.1192_1193delAA pathogenic mutation, located in coding exon 9 of the APC gene, results from a deletion of two nucleotides at nucleotide positions 1192 to 1193, causing a translational frameshift with a predicted alternate stop codon (p.K398Efs*5). This alteration has been reported in multiple individuals with a personal history consistent with a diagnosis of familial adenomatous polyposis (FAP) or attenuated FAP (Ambry internal data; Young J et al. Hum. Mutat., 1998;11:450-5; Friedl W et al. Hered Cancer Clin Pract, 2005 Sep;3:95-114;Crobach S et al. Fam. Cancer, 2012 Dec;11:671-3; D'Elia G et al. Genes (Basel), 2018 Jun;9:). This variant is considered to be rare based on population cohorts in the Genome Aggregation Database (gnomAD). In addition to the clinical data presented in the literature, this alteration is expected to result in loss of function by premature protein truncation or nonsense-mediated mRNA decay. As such, this alteration is interpreted as a disease-causing mutation.

Molecular Pathology, Peter Maccallum Cancer Centre
Classification: Pathogenic for Familial adenomatous polyposis 1. Last evaluated: 2024-03-04. Review status: criteria provided, single submitter. Criteria: ACMG Guidelines, 2015. Collection method: clinical testing. Allele origin: germline. Inheritance: Autosomal dominant inheritance.

Myriad Genetics, Inc.
Classification: Pathogenic for Familial adenomatous polyposis 1. Last evaluated: 2023-04-28. Review status: criteria provided, single submitter. Criteria: Myriad Autosomal Dominant, Autosomal Recessive and X-Linked Classification Criteria (2023). Collection method: clinical testing. Allele origin: unknown.
Comment: This variant is considered pathogenic. This variant creates a frameshift predicted to result in premature protein truncation.

Cancer Variant Interpretation Group UK, Institute of Cancer Research, London
Classification: Pathogenic for Hereditary cancer-predisposing syndrome. Last evaluated: 2023-02-10. Review status: criteria provided, single submitter. Criteria: ACMG Guidelines, 2015. Collection method: curation. Allele origin: germline. Affected: yes.
Comment: Data included in classification: More than 7 meioses reported from one family (Young et al., 1998) (PP1_str) Deletion is between codon 49 and codon 2645 (PVS1_vstr) 0 observations in gnomAD v2.1.1 (PM2_sup) Family cases in literature attained 1.5 phenotype points (D’Elia et al., 2018), (Crobach et al., 2012) (PS4_sup) Data not included in classification: (Middeldorp et al., 2010) De novo variant detected in branch family, no further information recorded regarding parental phenotype or colonoscopy.

Clinical Genetics and Genomics, Karolinska University Hospital
Classification: Pathogenic. Last evaluated: 2019-08-08. Review status: criteria provided, single submitter. Criteria: ACMG Guidelines, 2015. Collection method: clinical testing. Allele origin: germline. Affected: yes. Observed: 1 variant allele.

OMIM
Classification: Pathogenic for FAMILIAL ADENOMATOUS POLYPOSIS 1, ATTENUATED. Last evaluated: 1998-01-01. Review status: no assertion criteria provided. Collection method: literature only. Allele origin: germline. Not counted in ClinVar's aggregate classification.

Literature cited by the submitters: PubMed 17963004 (cited by GeneKor MSA and Labcorp Genetics (formerly Invitae), Labcorp); PubMed 20685668 (cited by GeneKor MSA and Labcorp Genetics (formerly Invitae), Labcorp); PubMed 20223039 (cited by 3 submitters); PubMed 20222047 (cited by GeneKor MSA); PubMed 22941256 (cited by 4 submitters); PubMed 26681312 (cited by GeneKor MSA); PubMed 29954149 (cited by 4 submitters); PubMed 9603437 (cited by 5 submitters).